The following is an entry in ClinVar:

NM_020937.4(FANCM):c.5342A>G (p.Asp1781Gly)

Gene: FANCM (FA complementation group M; plus strand). Cytogenetic location: 14q21.2.
Variant type: single nucleotide variant.
Coding change: c.5342A>G on transcript NM_020937.4 (MANE Select); coding-DNA position 5342, A replaced by G.
Protein change: p.Asp1781Gly; replaces aspartic acid 1781 with glycine.
Molecular consequence: missense variant.
Genome position (GRCh38, 1-based): chr14:45,196,173, A>G. VCF-style: chr14-45196173-A-G. GRCh37 (hg19) VCF-style: chr14-45665376-A-G.
Other names: c.5342A>G (NM_020937.3, NM_020937.2); c.5264A>G, p.Asp1755Gly (NM_001308133.2); short protein forms D1755G, D1781G.
Identifiers: ClinVar variation 1510026 (VCV001510026.10), dbSNP rs752053357, ClinGen allele CA7169992.
Genomic context (GRCh38, chr14:45,196,173, plus strand): 5'-CGTTTATGGCATTTTTATGCATTTAACCTGAATGTGACCAGTGTTTTCCACTTTTTCAGG[A>G]TGGTAGTGCTTTGGAGGATTCTAGCACTTCAGGGGCATCCTGTTCCAAGTCAAGACCACA-3'
Protein context (NP_065988.1, residues 1771-1791): DCRKFPVPQK[Asp1781Gly]GSALEDSSTS

ClinVar aggregate classification (germline): Uncertain significance. Review status: criteria provided, multiple submitters, no conflicts (2 of 4 stars). 4 submissions from 4 submitters: Uncertain significance (3). 1 of the submissions does not count toward it. Last evaluated 2022-08-25.

Conditions:
FANCM-related disorder. Also called: FANCM-related condition.
Spermatogenic failure 28. Identifiers: MedGen C4748117, MONDO:0054732, OMIM 618086.
Premature ovarian failure 15. Identifiers: MedGen C4748170, MONDO:0054862, OMIM 618096.
Fanconi anemia (FA). Also called: Fanconi's anemia. Identifiers: Orphanet 84, MedGen C0015625, MeSH D005199, MONDO:0019391.

Allele frequency attached by ClinVar (database versions not stated): gnomAD exomes 0.00001; ExAC 0.00002.
gnomAD v4.1: 7 of 1,614,074 alleles (0.00043%); highest among the groups gnomAD compares: South Asian, 0.0044%; no homozygotes.

Submissions (4):

GeneDx
Classification: Uncertain significance. Last evaluated: 2022-08-25. Review status: criteria provided, single submitter. Criteria: GeneDx Variant Classification Process June 2021. Collection method: clinical testing. Allele origin: germline. Affected: yes.
Comment: Not observed at significant frequency in large population cohorts (gnomAD); In silico analysis supports that this missense variant does not alter protein structure/function; Has not been previously published as pathogenic or benign to our knowledge

Fulgent Genetics
Classification: Uncertain significance for Spermatogenic failure 28; Premature ovarian failure 15. Last evaluated: 2021-12-21. Review status: criteria provided, single submitter. Criteria: ACMG Guidelines, 2015. Collection method: clinical testing. Allele origin: unknown.

Labcorp Genetics (formerly Invitae), Labcorp
Classification: Uncertain significance for Fanconi anemia. Last evaluated: 2021-04-10. Review status: criteria provided, single submitter. Criteria: Invitae Variant Classification Sherloc (09022015). Collection method: clinical testing. Allele origin: germline.
Comment: This variant is present in population databases (rs752053357, ExAC 0.01%). In summary, the available evidence is currently insufficient to determine the role of this variant in disease. Therefore, it has been classified as a Variant of Uncertain Significance. Algorithms developed to predict the effect of missense changes on protein structure and function output the following: SIFT: "Tolerated"; PolyPhen-2: "Benign"; Align-GVGD: "Class C0". The glycine amino acid residue is found in multiple mammalian species, suggesting that this missense change does not adversely affect protein function. These predictions have not been confirmed by published functional studies and their clinical significance is uncertain. This variant has not been reported in the literature in individuals with FANCM-related conditions. This sequence change replaces aspartic acid with glycine at codon 1781 of the FANCM protein (p.Asp1781Gly). The aspartic acid residue is weakly conserved and there is a moderate physicochemical difference between aspartic acid and glycine.

PreventionGenetics, part of Exact Sciences
Classification: Uncertain significance for FANCM-related condition. Last evaluated: 2024-05-29. Review status: no assertion criteria provided. Collection method: clinical testing. Allele origin: germline. Not counted in ClinVar's aggregate classification.
Comment: The FANCM c.5342A>G variant is predicted to result in the amino acid substitution p.Asp1781Gly. To our knowledge, this variant has not been reported in the literature. This variant is reported in 0.0065% of alleles in individuals of South Asian descent in gnomAD. At this time, the clinical significance of this variant is uncertain due to the absence of conclusive functional and genetic evidence.